The following is an entry in ClinVar:

ClinVar aggregate classification (germline): Uncertain significance (1 of 4 stars; one submission).

Conditions:
Fanconi anemia (FA). Also called: Fanconi's anemia. Identifiers: Orphanet 84, MedGen C0015625, MeSH D005199, MONDO:0019391.

Allele frequency attached by ClinVar (database versions not stated): ExAC 0.00001; TOPMed 0.00001; gnomAD exomes 0.00002; ESP Exome Variant Server 0.00008.
gnomAD v4.1: 27 of 1,614,198 alleles (0.0017%); highest among the groups gnomAD compares: Admixed American, 0.0033%; no homozygotes.

Submission:

Labcorp Genetics (formerly Invitae), Labcorp
Classification: Uncertain significance for Fanconi anemia. Last evaluated: 2024-07-30. Review status: criteria provided, single submitter. Criteria: Invitae Variant Classification Sherloc (09022015). Collection method: clinical testing. Allele origin: germline.
Comment: This sequence change replaces glutamic acid, which is acidic and polar, with lysine, which is basic and polar, at codon 234 of the SLX4 protein (p.Glu234Lys). This variant is present in population databases (rs149779179, gnomAD 0.003%). This variant has not been reported in the literature in individuals affected with SLX4-related conditions. ClinVar contains an entry for this variant (Variation ID: 1407003). An algorithm developed to predict the effect of missense changes on protein structure and function outputs the following: PolyPhen-2: "Benign". The lysine amino acid residue is found in multiple mammalian species, which suggests that this missense change does not adversely affect protein function. In summary, the available evidence is currently insufficient to determine the role of this variant in disease. Therefore, it has been classified as a Variant of Uncertain Significance.

NM_032444.4(SLX4):c.700G>A (p.Glu234Lys)

Gene: SLX4 (SLX4 structure-specific endonuclease subunit; minus strand). Cytogenetic location: 16p13.3.
Variant type: single nucleotide variant.
Coding change: c.700G>A on transcript NM_032444.4 (MANE Select); coding-DNA position 700, G replaced by A.
Protein change: p.Glu234Lys; replaces glutamic acid 234 with lysine.
Molecular consequence: missense variant.
Genome position (GRCh38, 1-based): chr16:3,606,534, C>T on the plus strand (G>A on the coding strand, the complement: SLX4 is on the minus strand). VCF-style: chr16-3606534-C-T. GRCh37 (hg19) VCF-style: chr16-3656535-C-T.
Other names: short protein forms E234K.
Identifiers: ClinVar variation 1407003 (VCV001407003.5), dbSNP rs149779179, ClinGen allele CA7866784.